The following is an entry in ClinVar:

NM_199420.4(POLQ):c.3542A>G (p.Asn1181Ser)

Gene: POLQ (DNA polymerase theta; minus strand). Cytogenetic location: 3q13.33.
Variant type: single nucleotide variant.
Coding change: c.3542A>G on transcript NM_199420.4 (MANE Select); coding-DNA position 3542, A replaced by G.
Protein change: p.Asn1181Ser; replaces asparagine 1181 with serine.
Molecular consequence: missense variant.
Genome position (GRCh38, 1-based): chr3:121,489,389, T>C on the plus strand (A>G on the coding strand, the complement: POLQ is on the minus strand). VCF-style: chr3-121489389-T-C. GRCh37 (hg19) VCF-style: chr3-121208236-T-C.
Other names: short protein forms N1181S.
Identifiers: ClinVar variation 1732484 (VCV001732484.2), dbSNP rs2546787276, ClinGen allele CA354099311.

ClinVar aggregate classification (germline): Uncertain significance (1 of 4 stars; one submission).

Submission:

Ambry Genetics
Classification: Uncertain significance. Last evaluated: 2021-08-11. Review status: criteria provided, single submitter. Criteria: Ambry Variant Classification Scheme 2023. Collection method: clinical testing. Allele origin: germline.
Comment: The p.N1181S variant (also known as c.3542A>G), located in coding exon 16 of the POLQ gene, results from an A to G substitution at nucleotide position 3542. The asparagine at codon 1181 is replaced by serine, an amino acid with highly similar properties. This amino acid position is conserved. In addition, this alteration is predicted to be tolerated by in silico analysis. Since supporting evidence is limited at this time, the clinical significance of this alteration remains unclear.